The following is an entry in ClinVar:

ClinVar aggregate classification (germline): Uncertain significance (1 of 4 stars; one submission).

Conditions:
Autosomal recessive polycystic kidney disease (ARPKD). Also called: AR polycystic kidney disease. Identifiers: Orphanet 731, Orphanet 8378, MedGen C0085548, MeSH D017044, MONDO:0009889.

gnomAD v4.1: 24 of 1,613,686 alleles (0.0015%); highest among the groups gnomAD compares: Non-Finnish European, 0.0019%; no homozygotes.

Submission:

Labcorp Genetics (formerly Invitae), Labcorp
Classification: Uncertain significance for Autosomal recessive polycystic kidney disease. Last evaluated: 2024-03-27. Review status: criteria provided, single submitter. Criteria: Invitae Variant Classification Sherloc (09022015). Collection method: clinical testing. Allele origin: germline.
Comment: This sequence change replaces phenylalanine, which is neutral and non-polar, with leucine, which is neutral and non-polar, at codon 3587 of the PKHD1 protein (p.Phe3587Leu). This variant is present in population databases (rs755174075, gnomAD 0.007%). This variant has not been reported in the literature in individuals affected with PKHD1-related conditions. Advanced modeling of protein sequence and biophysical properties (such as structural, functional, and spatial information, amino acid conservation, physicochemical variation, residue mobility, and thermodynamic stability) has been performed at Invitae for this missense variant, however the output from this modeling did not meet the statistical confidence thresholds required to predict the impact of this variant on PKHD1 protein function. In summary, the available evidence is currently insufficient to determine the role of this variant in disease. Therefore, it has been classified as a Variant of Uncertain Significance.

NM_138694.4(PKHD1):c.10759T>C (p.Phe3587Leu)

Gene: PKHD1 (PKHD1 ciliary IPT domain containing fibrocystin/polyductin; minus strand). Cytogenetic location: 6p12.3.
Variant type: single nucleotide variant.
Coding change: c.10759T>C on transcript NM_138694.4 (MANE Select); coding-DNA position 10759, T replaced by C.
Protein change: p.Phe3587Leu; replaces phenylalanine 3587 with leucine.
Molecular consequence: missense variant.
Genome position (GRCh38, 1-based): chr6:51,659,367, A>G on the plus strand (T>C on the coding strand, the complement: PKHD1 is on the minus strand). VCF-style: chr6-51659367-A-G. GRCh37 (hg19) VCF-style: chr6-51524165-A-G.
Other names: short protein forms F3587L.
Identifiers: ClinVar variation 3627140 (VCV003627140.1).